The following is an entry in ClinVar:

ClinVar aggregate classification (germline): Uncertain significance. Review status: criteria provided, multiple submitters, no conflicts (2 of 4 stars). 2 submissions from 2 submitters: Uncertain significance (2). Last evaluated 2025-07-06.

Conditions:
Catecholaminergic polymorphic ventricular tachycardia 1. Also called: RYR2-Related Catecholaminergic Polymorphic Ventricular Tachycardia; VENTRICULAR TACHYCARDIA, STRESS-INDUCED POLYMORPHIC 1; VENTRICULAR TACHYCARDIA, CATECHOLAMINERGIC POLYMORPHIC, 1, WITH OR WITHOUT ATRIAL DYSFUNCTION AND/OR DILATED CARDIOMYOPATHY. Identifiers: Orphanet 3286, MedGen C1631597, MONDO:0011484, OMIM 604772.
Cardiovascular phenotype. Identifiers: MedGen CN230736.

Submissions (2):

Labcorp Genetics (formerly Invitae), Labcorp
Classification: Uncertain significance for Catecholaminergic polymorphic ventricular tachycardia 1. Last evaluated: 2025-07-06. Review status: criteria provided, single submitter. Criteria: Invitae Variant Classification Sherloc (09022015). Collection method: clinical testing. Allele origin: germline.
Comment: This sequence change replaces valine, which is neutral and non-polar, with methionine, which is neutral and non-polar, at codon 3045 of the RYR2 protein (p.Val3045Met). This variant is not present in population databases (gnomAD no frequency). This variant has not been reported in the literature in individuals affected with RYR2-related conditions. Invitae Evidence Modeling of protein sequence and biophysical properties (such as structural, functional, and spatial information, amino acid conservation, physicochemical variation, residue mobility, and thermodynamic stability) indicates that this missense variant is expected to disrupt RYR2 protein function with a positive predictive value of 80%. In summary, the available evidence is currently insufficient to determine the role of this variant in disease. Therefore, it has been classified as a Variant of Uncertain Significance.

Ambry Genetics
Classification: Uncertain significance for Cardiovascular phenotype. Last evaluated: 2025-07-03. Review status: criteria provided, single submitter. Criteria: Ambry Variant Classification Scheme 2023. Collection method: clinical testing. Allele origin: germline.
Comment: The p.V3045M variant (also known as c.9133G>A), located in coding exon 65 of the RYR2 gene, results from a G to A substitution at nucleotide position 9133. The valine at codon 3045 is replaced by methionine, an amino acid with highly similar properties. This amino acid position is highly conserved in available vertebrate species. In addition, the in silico prediction for this alteration is inconclusive. Based on the available evidence, the clinical significance of this variant remains unclear.

NM_001035.3(RYR2):c.9133G>A (p.Val3045Met)

Gene: RYR2 (ryanodine receptor 2; plus strand). Cytogenetic location: 1q43.
Variant type: single nucleotide variant.
Coding change: c.9133G>A on transcript NM_001035.3 (MANE Select); coding-DNA position 9133, G replaced by A.
Protein change: p.Val3045Met; replaces valine 3045 with methionine.
Molecular consequence: missense variant.
Genome position (GRCh38, 1-based): chr1:237,700,233, G>A. VCF-style: chr1-237700233-G-A. GRCh37 (hg19) VCF-style: chr1-237863533-G-A.
Other names: short protein forms V3045M.
Identifiers: ClinVar variation 4158424 (VCV004158424.2).